The following is an entry in ClinVar:

NM_001283009.2(RTEL1):c.395G>A (p.Arg132Gln)

Genes: RTEL1-TNFRSF6B (RTEL1-TNFRSF6B readthrough (NMD candidate); plus strand), RTEL1 (regulator of telomere elongation helicase 1; plus strand). Cytogenetic location: 20q13.33.
Variant type: single nucleotide variant.
Coding change: c.395G>A on transcript NM_001283009.2 (MANE Select); coding-DNA position 395, G replaced by A.
Protein change: p.Arg132Gln; replaces arginine 132 with glutamine.
Molecular consequence: missense variant. On other transcripts: non-coding transcript variant (1), 5 prime UTR variant (1).
Genome position (GRCh38, 1-based): chr20:63,661,943, G>A. VCF-style: chr20-63661943-G-A. GRCh37 (hg19) VCF-style: chr20-62293296-G-A.
Other names: c.395G>A (NM_032957.4); c.-275G>A (NM_001283010.1); c.395G>A, p.Arg132Gln (NM_016434.4); c.395G>A, p.Arg132His (NM_032957.5); short protein forms R132H, R132Q.
Identifiers: ClinVar variation 967301 (VCV000967301.10), dbSNP rs762587175, ClinGen allele CA9964195.
Genomic context (GRCh38, chr20:63,661,943, plus strand): 5'-CCTCCAGGACCCACTCGCAACTCACACAGGTCATCAACGAGCTTCGGAACACCTCCTACC[G>A]GTGGGTCAGACGAGTTTACACCTGTCTCGGGGTCCTCAAGAGAACCAGCTTGGCATGGTG-3'
Protein context (NP_001269938.1, residues 122-142): VINELRNTSY[Arg132Gln]PKVCVLGSRE

ClinVar aggregate classification (germline): Uncertain significance. Review status: criteria provided, multiple submitters, no conflicts (2 of 4 stars). 3 submissions from 3 submitters: Uncertain significance (2). 1 of the submissions does not count toward it. Last evaluated 2024-11-23.

Conditions:
Dyskeratosis congenita, autosomal recessive 5 (DKCB5). Identifiers: MedGen C3554656, MONDO:0014076, OMIM 615190.
Pulmonary fibrosis and/or bone marrow failure, Telomere-related, 3. Also called: PULMONARY FIBROSIS AND/OR BONE MARROW FAILURE SYNDROME, TELOMERE-RELATED, 3. Identifiers: Orphanet 2032, MedGen C4225346, MONDO:0014613, OMIM 616373.
Dyskeratosis congenita. Identifiers: Orphanet 1775, MedGen C0265965, MONDO:0015780.
RTEL1-related disorder. Also called: RTEL1-related condition; RTEL1-related disorders.

Allele frequency attached by ClinVar (database versions not stated): gnomAD exomes below 0.00001 and 0.00001; ExAC 0.00001; TOPMed 0.00001.
gnomAD v4.1: 4 of 1,613,272 alleles (0.00025%); highest among the groups gnomAD compares: East Asian, 0.0022%; no homozygotes.

Submissions (3):

PreventionGenetics, part of Exact Sciences
Classification: Uncertain significance for RTEL1-related condition. Last evaluated: 2024-11-23. Review status: criteria provided, single submitter. Criteria: ACMG Guidelines, 2015. Collection method: clinical testing. Allele origin: germline.
Comment: The RTEL1 c.395G>A variant is predicted to result in the amino acid substitution p.Arg132His. This variant affects the last nucleotide of exon 4 and is predicted to reduces the strength of the canonical splice donor site (SpliceAI, Jaganathan et al. 2019. PubMed ID: 30661751). To our knowledge, this variant has not been reported in the literature. This variant is reported in 0.0054% of alleles in individuals of East Asian descent in gnomAD. At this time, the clinical significance of this variant is uncertain due to the absence of conclusive functional and genetic evidence.

Labcorp Genetics (formerly Invitae), Labcorp
Classification: Uncertain significance for Dyskeratosis congenita, autosomal recessive 5; Pulmonary fibrosis and/or bone marrow failure, Telomere-related, 3. Last evaluated: 2024-10-07. Review status: criteria provided, single submitter. Criteria: Invitae Variant Classification Sherloc (09022015). Collection method: clinical testing. Allele origin: germline.
Comment: This sequence change replaces arginine, which is basic and polar, with glutamine, which is neutral and polar, at codon 132 of the RTEL1 protein (p.Arg132Gln). This variant also falls at the last nucleotide of exon 4, which is part of the consensus splice site for this exon. This variant is present in population databases (rs762587175, gnomAD 0.006%). This variant has not been reported in the literature in individuals affected with RTEL1-related conditions. ClinVar contains an entry for this variant (Variation ID: 967301). An algorithm developed to predict the effect of missense changes on protein structure and function (PolyPhen-2) suggests that this variant is likely to be tolerated. Variants that disrupt the consensus splice site are a relatively common cause of aberrant splicing (PMID: 17576681, 9536098). Algorithms developed to predict the effect of sequence changes on RNA splicing suggest that this variant may disrupt the consensus splice site. In summary, the available evidence is currently insufficient to determine the role of this variant in disease. Therefore, it has been classified as a Variant of Uncertain Significance.

Natera, Inc.
Classification: Uncertain significance for Dyskeratosis congenita. Last evaluated: 2020-01-17. Review status: no assertion criteria provided. Collection method: clinical testing. Allele origin: germline. Not counted in ClinVar's aggregate classification.

Literature cited by the submitters: PubMed 17576681 (cited by Labcorp Genetics (formerly Invitae), Labcorp); PubMed 9536098 (cited by Labcorp Genetics (formerly Invitae), Labcorp).